The following is an entry in ClinVar:

ClinVar aggregate classification (germline): Benign/Likely benign. Review status: criteria provided, multiple submitters, no conflicts (2 of 4 stars). 2 submissions from 2 submitters: Benign (1); Likely benign (1). Last evaluated 2024-06-30.

Conditions:
Hereditary cancer-predisposing syndrome. Also called: Neoplastic Syndromes, Hereditary; Tumor predisposition; Hereditary neoplastic syndrome; Hereditary Cancer Syndrome. Identifiers: Orphanet 140162, MedGen C0027672, MeSH D009386, MONDO:0015356.
Familial adenomatous polyposis 1 (FAP1). Also called: POLYPOSIS, ADENOMATOUS INTESTINAL; FAMILIAL ADENOMATOUS POLYPOSIS 1, ATTENUATED. Identifiers: MedGen C2713442, MONDO:0021056, OMIM 175100. Disease mechanism: loss of function.

Submissions (2):

Ambry Genetics
Classification: Likely benign for Hereditary cancer-predisposing syndrome. Last evaluated: 2024-06-30. Review status: criteria provided, single submitter. Criteria: Ambry Variant Classification Scheme 2023. Collection method: clinical testing. Allele origin: germline.

Myriad Genetics, Inc.
Classification: Benign for Familial adenomatous polyposis 1. Last evaluated: 2024-03-25. Review status: criteria provided, single submitter. Criteria: Myriad Autosomal Dominant, Autosomal Recessive and X-Linked Classification Criteria (2023). Collection method: clinical testing. Allele origin: unknown.
Comment: This variant is considered benign. This variant is a silent/synonymous amino acid change and it is not expected to impact splicing.

NM_000038.6(APC):c.4158A>G (p.Arg1386=)

Gene: APC (APC regulator of Wnt signaling pathway; plus strand). Cytogenetic location: 5q22.2.
Variant type: single nucleotide variant.
Coding change: c.4158A>G on transcript NM_000038.6 (MANE Select); coding-DNA position 4158, A replaced by G.
Protein change: p.Arg1386=; no amino-acid change (arginine 1386 retained).
Molecular consequence: synonymous variant. On other transcripts: non-coding transcript variant (2).
Genome position (GRCh38, 1-based): chr5:112,839,752, A>G. VCF-style: chr5-112839752-A-G. GRCh37 (hg19) VCF-style: chr5-112175449-A-G.
Other names: c.4158A>G, p.Arg1386= (NM_001354895.2, NM_001127510.3, NM_001407450.1); c.4212A>G, p.Arg1404= (NM_001354896.2, NM_001407447.1, NM_001407448.1 and 1 more transcripts); c.4188A>G, p.Arg1396= (NM_001354897.2); c.4083A>G, p.Arg1361= (NM_001354898.2); c.3780A>G, p.Arg1260= (NM_001354904.2); c.4035A>G, p.Arg1345= (NM_001354900.2); c.4074A>G, p.Arg1358= (NM_001354899.2); c.3981A>G, p.Arg1327= (NM_001354901.2, NM_001407453.1); and 12 more.
Identifiers: ClinVar variation 3147993 (VCV003147993.2), dbSNP rs2149907842, ClinGen allele CA445964166.